The following is an entry in ClinVar:

ClinVar aggregate classification (germline): Benign/Likely benign. Review status: criteria provided, multiple submitters, no conflicts (2 of 4 stars). 5 submissions from 5 submitters: Benign (2); Likely benign (2). 1 of the submissions does not count toward it. Last evaluated 2026-01-15.

Conditions:
PIEZO1-related disorder. Also called: PIEZO1-related condition; PIEZO1-Related Disorders.

Allele frequency attached by ClinVar (database versions not stated): gnomAD exomes 0.00031 and 0.00076; ExAC 0.00117; 1000 Genomes Project 0.00240; 1000 Genomes Project 30x 0.00250; gnomAD 0.00331 and 0.00361; TOPMed 0.00378.
gnomAD v4.1: 960 of 1,542,376 alleles (0.062%); highest among the groups gnomAD compares: African/African-American, 1.2%; 6 homozygotes.

Submissions (5):

Labcorp Genetics (formerly Invitae), Labcorp
Classification: Benign. Last evaluated: 2026-01-15. Review status: criteria provided, single submitter. Criteria: Invitae Variant Classification Sherloc (09022015). Collection method: clinical testing. Allele origin: germline.

Mayo Clinic Laboratories, Mayo Clinic
Classification: Likely benign. Last evaluated: 2025-10-27. Review status: criteria provided, single submitter. Criteria: ACMG Guidelines, 2015. Collection method: clinical testing. Allele origin: germline. Observed: 14 variant alleles.
Comment: BS1, BS2, BP4

Blueprint Genetics
Classification: Likely benign. Last evaluated: 2024-09-26. Review status: criteria provided, single submitter. Criteria: ACMG Guidelines, 2015. Collection method: clinical testing. Allele origin: germline.

ARUP Laboratories, Molecular Genetics and Genomics, ARUP Laboratories
Classification: Benign. Last evaluated: 2023-11-16. Review status: criteria provided, single submitter. Criteria: ARUP Molecular Germline Variant Investigation Process 2024. Collection method: clinical testing. Allele origin: germline.

PreventionGenetics, part of Exact Sciences
Classification: Benign for PIEZO1-related condition. Last evaluated: 2019-02-19. Review status: no assertion criteria provided. Collection method: clinical testing. Allele origin: germline. Not counted in ClinVar's aggregate classification.
Comment: This variant is classified as benign based on ACMG/AMP sequence variant interpretation guidelines (Richards et al. 2015 PMID: 25741868, with internal and published modifications).

NM_001142864.4(PIEZO1):c.1998-5C>T

Genes: HSALR1 (HSP90AB1 associated lncRNA 1; plus strand), PIEZO1 (piezo type mechanosensitive ion channel component 1 (Er blood group); minus strand). Cytogenetic location: 16q24.3.
Variant type: single nucleotide variant.
Coding change: c.1998-5C>T on transcript NM_001142864.4 (MANE Select); 5 bases into the intron before coding-DNA position 1998, C replaced by T.
Molecular consequence: intron variant.
Genome position (GRCh38, 1-based): chr16:88,734,543, G>A on the plus strand (C>T on the coding strand, the complement: PIEZO1 is on the minus strand). VCF-style: chr16-88734543-G-A. GRCh37 (hg19) VCF-style: chr16-88800951-G-A.
Other names: p.?.
Identifiers: ClinVar variation 734856 (VCV000734856.24), dbSNP rs188058617, ClinGen allele CA8232878.